The following is an entry in ClinVar:

NM_016929.5(CLIC5):c.483C>T (p.Asp161=)

Gene: CLIC5 (chloride intracellular channel 5; minus strand). Cytogenetic location: 6p21.1.
Variant type: single nucleotide variant.
Coding change: c.483C>T on transcript NM_016929.5 (MANE Select); coding-DNA position 483, C replaced by T.
Protein change: p.Asp161=; no amino-acid change (aspartic acid 161 retained).
Molecular consequence: synonymous variant. On other transcripts: non-coding transcript variant (3).
Genome position (GRCh38, 1-based): chr6:45,914,333, G>A on the plus strand (C>T on the coding strand, the complement: CLIC5 is on the minus strand). VCF-style: chr6-45914333-G-A. GRCh37 (hg19) VCF-style: chr6-45882070-G-A.
Other names: c.960C>T (NM_001114086.1); c.960C>T, p.Asp320= (NM_001114086.2, NM_001370650.1); c.483C>T, p.Asp161= (NM_001256023.2); c.366C>T, p.Asp122= (NM_001370649.1).
Identifiers: ClinVar variation 1670067 (VCV001670067.10), dbSNP rs146052023, ClinGen allele CA3836760.
Genomic context (GRCh38, chr6:45,914,333, plus strand): 5'-CAGCTCATCCCCATCCAGGAACTTGCGCCGGGACCCCTTGTCTTCCCCACAAGTGTTGGC[G>A]TCAATCTCCTCTGGTAGAGGGGTGTTCAGGTAGTCATCCAATTTCTTTAGAGCCTTGGTT-3'
Protein context (NP_058625.2, residues 151-171): YLNTPLPEEI[Asp161=]ANTCGEDKGS

ClinVar aggregate classification (germline): Likely benign. Review status: criteria provided, single submitter (1 of 4 stars). 2 submissions from 2 submitters: Likely benign (1). 1 of the submissions does not count toward it. Last evaluated 2025-02-10.

Conditions:
CLIC5-related disorder. Also called: CLIC5-related condition.

Allele frequency attached by ClinVar (database versions not stated): gnomAD exomes 0.00002 and 0.00004; gnomAD 0.00004; TOPMed 0.00005; ExAC 0.00006; ESP Exome Variant Server 0.00023.
gnomAD v4.1: 44 of 1,609,766 alleles (0.0027%); highest among the groups gnomAD compares: Admixed American, 0.023%; no homozygotes.

Submissions (2):

Labcorp Genetics (formerly Invitae), Labcorp
Classification: Likely benign. Last evaluated: 2025-02-10. Review status: criteria provided, single submitter. Criteria: Invitae Variant Classification Sherloc (09022015). Collection method: clinical testing. Allele origin: germline.

PreventionGenetics, part of Exact Sciences
Classification: Likely benign for CLIC5-related condition. Last evaluated: 2019-07-02. Review status: no assertion criteria provided. Collection method: clinical testing. Allele origin: germline. Not counted in ClinVar's aggregate classification.
Comment: This variant is classified as likely benign based on ACMG/AMP sequence variant interpretation guidelines (Richards et al. 2015 PMID: 25741868, with internal and published modifications).